The following is an entry in ClinVar:

NM_000387.6(SLC25A20):c.645dup (p.Gly216fs)

Gene: SLC25A20 (solute carrier family 25 member 20; minus strand). Cytogenetic location: 3p21.31.
Variant type: Duplication.
Coding change: c.645dup on transcript NM_000387.6 (MANE Select); coding-DNA position 645, one base duplicated (T; older notation c.645dupT).
Protein change: p.Gly216fs; shifts the reading frame from glycine 216.
Molecular consequence: frameshift variant.
Genome position (GRCh38, 1-based): chr3:48,859,165, A duplicated on the plus strand (T on the coding strand, the reverse complement: SLC25A20 is on the minus strand). VCF-style (leftmost placement, unchanged base first): chr3-48859164-C-CA. GRCh37 (hg19) VCF-style: chr3-48896597-C-CA.
Other names: short protein forms G216fs.
Identifiers: ClinVar variation 2133196 (VCV002133196.5), dbSNP rs2471004624, ClinGen allele CA2580069960.
Genomic context (GRCh38, chr3:48,859,164, plus strand): 5'-GAGACTTGAGCACATCTGGGGGGATTGCCACAGCCCAGTTGAAGATCCCTGCAATGCCCC[C>CA]AGCCACCAAGATCCGAGGGGCACTGAGCTCACTGACCCTGTATAACACCAACCACAGCCC-3'

ClinVar aggregate classification (germline): Pathogenic/Likely pathogenic. Review status: criteria provided, multiple submitters, no conflicts (2 of 4 stars). 2 submissions from 2 submitters: Pathogenic (1); Likely pathogenic (1). Last evaluated 2024-04-04.

Conditions:
Carnitine acylcarnitine translocase deficiency (CACTD). Identifiers: Orphanet 159, MedGen C0342791, MONDO:0008918, OMIM 212138.

Submissions (2):

Fulgent Genetics
Classification: Likely pathogenic for Carnitine acylcarnitine translocase deficiency. Last evaluated: 2024-04-04. Review status: criteria provided, single submitter. Criteria: ACMG Guidelines, 2015. Collection method: clinical testing. Allele origin: germline.

Labcorp Genetics (formerly Invitae), Labcorp
Classification: Pathogenic for Carnitine acylcarnitine translocase deficiency. Last evaluated: 2022-05-03. Review status: criteria provided, single submitter. Criteria: Invitae Variant Classification Sherloc (09022015). Collection method: clinical testing. Allele origin: germline.
Comment: This variant is not present in population databases (gnomAD no frequency). For these reasons, this variant has been classified as Pathogenic. This variant has not been reported in the literature in individuals affected with SLC25A20-related conditions. This sequence change creates a premature translational stop signal (p.Gly216Trpfs*32) in the SLC25A20 gene. It is expected to result in an absent or disrupted protein product. Loss-of-function variants in SLC25A20 are known to be pathogenic (PMID: 25614308).

Literature cited by the submitters: PubMed 25614308 (cited by Labcorp Genetics (formerly Invitae), Labcorp).